The following is an entry in ClinVar:

NM_000152.5(GAA):c.2528T>C (p.Leu843Pro)

Gene: GAA (alpha glucosidase; plus strand). Cytogenetic location: 17q25.3.
Variant type: single nucleotide variant.
Coding change: c.2528T>C on transcript NM_000152.5 (MANE Select); coding-DNA position 2528, T replaced by C.
Protein change: p.Leu843Pro; replaces leucine 843 with proline.
Molecular consequence: missense variant.
Genome position (GRCh38, 1-based): chr17:80,118,239, T>C. VCF-style: chr17-80118239-T-C. GRCh37 (hg19) VCF-style: chr17-78092038-T-C.
Other names: c.2528T>C, p.Leu843Pro (NM_001079803.3, NM_001079804.3); short protein forms L843P.
Identifiers: ClinVar variation 972795 (VCV000972795.10), dbSNP rs775524898, ClinGen allele CA8815779.
Genomic context (GRCh38, chr17:80,118,239, plus strand): 5'-CCTTCCCTTTCCAGGGCCCTGGCCTCACAACCACAGAGTCCCGCCAGCAGCCCATGGCCC[T>C]GGCTGTGGCCCTGACCAAGGGTGGGGAGGCCCGAGGGGAGCTGTTCTGGGACGATGGAGA-3'
Protein context (NP_000143.2, residues 833-853): TTESRQQPMA[Leu843Pro]AVALTKGGEA

ClinVar aggregate classification (germline): Uncertain significance. Review status: criteria provided, multiple submitters, no conflicts (2 of 4 stars). 5 submissions from 5 submitters: Uncertain significance (5). Last evaluated 2026-07-01.

Conditions:
Glycogen storage disease, type II (IOPD). Also called: CARDIOMEGALIA GLYCOGENICA DIFFUSA; Glycogen storage disease type 2; Acid maltase deficiency disease; Aglucosidase alfa; Deficiency of alpha-glucosidase; Deficiency of lysosomal alpha-glucosidase. Identifiers: Orphanet 365, MedGen C0017921, MONDO:0009290, OMIM 232300.

Allele frequency attached by ClinVar (database versions not stated): gnomAD exomes below 0.00001; ExAC 0.00001; TOPMed 0.00001.

Submissions (5):

Genomenon, Inc
Classification: Uncertain significance for Glycogen storage disease, type II. Last evaluated: 2026-07-01. Review status: criteria provided, single submitter. Criteria: Genomenon Sequence Variant Interpretation Standards - Updated. Collection method: curation. Allele origin: germline. Affected: yes.
Comment: GAA p.Leu843Pro (c.2528T>C) is a missense variant that changes the amino acid at codon 843 from Leucine to Proline. This variant has been observed in at least one proband with a GAA-related disorder (PMID:31342611). It is absent or not present at a significant frequency in gnomAD. In silico models predict that this variant is possibly or probably damaging. In conclusion, we classify GAA p.Leu843Pro (c.2528T>C) as a variant of uncertain significance.

Women's Health and Genetics/Laboratory Corporation of America, LabCorp
Classification: Uncertain significance. Last evaluated: 2025-03-25. Review status: criteria provided, single submitter. Criteria: LabCorp Variant Classification Summary - May 2015. Collection method: clinical testing. Allele origin: germline.
Comment: Variant summary: GAA c.2528T>C (p.Leu843Pro) results in a non-conservative amino acid change in the encoded protein sequence. Five of five in-silico tools predict a damaging effect of the variant on protein function. The variant allele was found at a frequency of 4e-06 in 249452 control chromosomes (gnomAD). The available data on variant occurrences in the general population are insufficient to allow any conclusion about variant significance. c.2528T>C has been reported in the literature in individuals affected with Glycogen Storage Disease, Type 2 (Pompe Disease)(e.g. Bali_2012, Kishnani_2019). These data do not allow any conclusion about variant significance. To our knowledge, no experimental evidence demonstrating an impact on protein function has been reported. The following publications have been ascertained in the context of this evaluation (PMID: 22252923, 31086307). ClinVar contains an entry for this variant (Variation ID: 972795). Based on the evidence outlined above, the variant was classified as uncertain significance.

Revvity Omics, Revvity
Classification: Uncertain significance. Last evaluated: 2025-01-24. Review status: criteria provided, single submitter. Criteria: ACMG Guidelines, 2015. Collection method: clinical testing. Allele origin: germline.

Labcorp Genetics (formerly Invitae), Labcorp
Classification: Uncertain significance for Glycogen storage disease, type II. Last evaluated: 2021-08-14. Review status: criteria provided, single submitter. Criteria: Invitae Variant Classification Sherloc (09022015). Collection method: clinical testing. Allele origin: germline.
Comment: This sequence change replaces leucine with proline at codon 843 of the GAA protein (p.Leu843Pro). The leucine residue is highly conserved and there is a moderate physicochemical difference between leucine and proline. This variant is present in population databases (rs775524898, ExAC 0.01%). This variant has been observed in individual(s) with Pompe disease (PMID: 31086307). ClinVar contains an entry for this variant (Variation ID: 972795). Advanced modeling of protein sequence and biophysical properties (such as structural, functional, and spatial information, amino acid conservation, physicochemical variation, residue mobility, and thermodynamic stability) performed at Invitae indicates that this missense variant is expected to disrupt GAA protein function. In summary, the available evidence is currently insufficient to determine the role of this variant in disease. Therefore, it has been classified as a Variant of Uncertain Significance.

Broad Center for Mendelian Genomics, Broad Institute of MIT and Harvard
Classification: Uncertain significance for Glycogen storage disease, type II. Last evaluated: 2020-01-15. Review status: criteria provided, single submitter. Criteria: ACMG Guidelines, 2015. Collection method: curation. Allele origin: germline. Inheritance: Autosomal recessive inheritance.
Comment: The p.Leu483Pro variant in GAA has been reported in one individual with glycogen storage disease II (PMID: 22252923) and has been identified in 0.006% (1/16176) of African chromosomes by the Genome Aggregation Database (gnomAD; dbSNP rs775524898). Although this variant has been seen in the general population, its frequency is low enough to be consistent with a recessive carrier frequency. Computational prediction tools and conservation analyses suggest that this variant may impact the protein, though this information is not predictive enough to determine pathogenicity. In summary, while there is some suspicion for a pathogenic role, the clinical significance of this variant is uncertain. ACMG/AMP Criteria applied: PM2, PP3 (Richards 2015).

Literature cited by the submitters: PubMed 31342611 (cited by Genomenon, Inc); PubMed 22252923 (cited by Women's Health and Genetics/Laboratory Corporation of America, LabCorp); PubMed 31086307 (cited by Women's Health and Genetics/Laboratory Corporation of America, LabCorp and Labcorp Genetics (formerly Invitae), Labcorp).